The following is an entry in ClinVar:

NM_000168.6(GLI3):c.4017_4018insG (p.Pro1340fs)

Gene: GLI3 (GLI family zinc finger 3; minus strand). Cytogenetic location: 7p14.1.
Variant type: Insertion.
Coding change: c.4017_4018insG on transcript NM_000168.6 (MANE Select); coding-DNA positions 4017 to 4018, G inserted.
Protein change: p.Pro1340fs; shifts the reading frame from proline 1340.
Molecular consequence: frameshift variant.
Genome position: GRCh38 VCF-style: chr7-41965055-G-GC. GRCh37 (hg19) VCF-style: chr7-42004653-G-GC.
Other names: c.4017_4018insG (NM_000168.5); short protein forms P1340fs.
Identifiers: ClinVar variation 2947045 (VCV002947045.5), dbSNP rs2484367171, ClinGen allele CA2740097346.

ClinVar aggregate classification (germline): Pathogenic/Likely pathogenic. Review status: criteria provided, multiple submitters, no conflicts (2 of 4 stars). 3 submissions from 3 submitters: Pathogenic (2); Likely pathogenic (1). Last evaluated 2025-09-18.

Conditions:
Pallister-Hall syndrome (PHS). Also called: HYPOTHALAMIC HAMARTOBLASTOMA, HYPOPITUITARISM, IMPERFORATE ANUS, AND POSTAXIAL POLYDACTYLY; GLI3-Related Pallister-Hall Syndrome. Identifiers: Orphanet 672, MedGen C0265220, MONDO:0007804, OMIM 146510.
Greig cephalopolysyndactyly syndrome (GCPS). Also called: POLYSYNDACTYLY WITH PECULIAR SKULL SHAPE; Greig syndrome; GLI3-Related Greig Cephalopolysyndactyly Syndrome. Identifiers: Orphanet 380, MedGen C0265306, MONDO:0008287, OMIM 175700.
Inborn genetic diseases. Identifiers: MedGen C0950123, MeSH D030342.

Submissions (3):

Ambry Genetics
Classification: Pathogenic for Inborn genetic diseases. Last evaluated: 2025-09-18. Review status: criteria provided, single submitter. Criteria: Ambry Variant Classification Scheme 2023. Collection method: clinical testing. Allele origin: germline.
Comment: The c.4017_4018insG (p.P1340Afs*10) alteration, located in exon 15 (coding exon 14) of the GLI3 gene, consists of an insertion of G at position 4017, causing a translational frameshift with a predicted alternate stop codon after 10 amino acids. This variant is not expected to trigger nonsense-mediated mRNA decay, and impacts the last 15% of the protein. However, premature stop codons are typically deleterious in nature, the impacted region is critical for protein function, and a significant portion of the protein is affected (Ambry internal data). for Grieg cephalopolysyndactyly syndrome; however, its clinical significance for Pallister-Hall syndrome is uncertain. This variant was not reported in population-based cohorts in the Genome Aggregation Database (gnomAD). Based on the available evidence, this alteration is classified as pathogenic.

GeneDx
Classification: Likely pathogenic. Last evaluated: 2023-11-16. Review status: criteria provided, single submitter. Criteria: GeneDx Variant Classification Process June 2021. Collection method: clinical testing. Allele origin: germline. Affected: yes.
Comment: Frameshift variant predicted to result in protein truncation, as the last 241 amino acids are replaced with 9 different amino acids, and other loss-of-function variants have been reported downstream in HGMD; Not observed at significant frequency in large population cohorts (gnomAD); Has not been previously published as pathogenic or benign to our knowledge

Labcorp Genetics (formerly Invitae), Labcorp
Classification: Pathogenic for Pallister-Hall syndrome; Greig cephalopolysyndactyly syndrome. Last evaluated: 2023-10-29. Review status: criteria provided, single submitter. Criteria: Invitae Variant Classification Sherloc (09022015). Collection method: clinical testing. Allele origin: germline.
Comment: This sequence change creates a premature translational stop signal (p.Pro1340Alafs*10) in the GLI3 gene. While this is not anticipated to result in nonsense mediated decay, it is expected to disrupt the last 241 amino acid(s) of the GLI3 protein. This variant is not present in population databases (gnomAD no frequency). This variant has not been reported in the literature in individuals affected with GLI3-related conditions. This variant disrupts a region of the GLI3 protein in which other variant(s) (p.Thr1488Lysfs*23) have been determined to be pathogenic (PMID: 24736735). This suggests that this is a clinically significant region of the protein, and that variants that disrupt it are likely to be disease-causing. For these reasons, this variant has been classified as Pathogenic.

Literature cited by the submitters: PubMed 24736735 (cited by Labcorp Genetics (formerly Invitae), Labcorp).